The following is an entry in ClinVar:

NM_007315.4(STAT1):c.865T>C (p.Tyr289His)

Gene: STAT1 (signal transducer and activator of transcription 1; minus strand). Cytogenetic location: 2q32.2.
Variant type: single nucleotide variant.
Coding change: c.865T>C on transcript NM_007315.4 (MANE Select); coding-DNA position 865, T replaced by C.
Protein change: p.Tyr289His; replaces tyrosine 289 with histidine.
Molecular consequence: missense variant. On other transcripts: intron variant (1).
Genome position (GRCh38, 1-based): chr2:190,995,140, A>G on the plus strand (T>C on the coding strand, the complement: STAT1 is on the minus strand). VCF-style: chr2-190995140-A-G. GRCh37 (hg19) VCF-style: chr2-191859866-A-G.
Other names: c.865T>C, p.Tyr289His (NM_001384880.1, NM_001384882.1, NM_001384886.1 and 4 more transcripts); c.871T>C, p.Tyr291His (NM_001384881.1, NM_001384884.1); c.766T>C, p.Tyr256His (NM_001384883.1); c.775T>C, p.Tyr259His (NM_001384890.1); c.901T>C, p.Tyr301His (NM_001384891.1); c.785+2716T>C (NM_001384885.1); short protein forms Y256H, Y301H, Y259H, Y289H, Y291H.
Identifiers: ClinVar variation 2203242 (VCV002203242.5), dbSNP rs2125062317, ClinGen allele CA349921769.

ClinVar aggregate classification (germline): Likely pathogenic. Review status: criteria provided, multiple submitters, no conflicts (2 of 4 stars). 2 submissions from 2 submitters: Likely pathogenic (2). Last evaluated 2021-11-27.

Conditions:
STAT1-related disorder. Also called: STAT1-related condition.
Immunodeficiency 31B. Also called: IMMUNODEFICIENCY 31B, MYCOBACTERIAL AND VIRAL INFECTIONS, AUTOSOMAL RECESSIVE; STAT1 DEFICIENCY, AUTOSOMAL RECESSIVE. Identifiers: Orphanet 391311, MedGen C3151088, MONDO:0013427, OMIM 613796.
Autoimmune enteropathy and endocrinopathy - susceptibility to chronic infections syndrome. Also called: Immunodeficiency 31C; Immunodeficiency 31C, autosomal dominant. Identifiers: Orphanet 391487, MedGen C3279990, MONDO:0013599, OMIM 614162.
Mendelian susceptibility to mycobacterial diseases due to partial STAT1 deficiency. Also called: IMMUNODEFICIENCY 31A, MYCOBACTERIOSIS, AUTOSOMAL DOMINANT; STAT1 DEFICIENCY, AUTOSOMAL DOMINANT; Immunodeficiency 31a. Identifiers: Orphanet 319595, MedGen C4013950, MONDO:0013956, OMIM 614892.

Submissions (2):

Labcorp Genetics (formerly Invitae), Labcorp
Classification: Likely pathogenic for Mendelian susceptibility to mycobacterial diseases due to partial STAT1 deficiency; Immunodeficiency 31B; Autoimmune enteropathy and endocrinopathy - susceptibility to chronic infections syndrome. Last evaluated: 2021-11-27. Review status: criteria provided, single submitter. Criteria: Invitae Variant Classification Sherloc (09022015). Collection method: clinical testing. Allele origin: germline.
Comment: In summary, the currently available evidence indicates that the variant is pathogenic, but additional data are needed to prove that conclusively. Therefore, this variant has been classified as Likely Pathogenic. This variant disrupts the p.Tyr289 amino acid residue in STAT1. Other variant(s) that disrupt this residue have been determined to be pathogenic (PMID: 27114460, 29111217). This suggests that this residue is clinically significant, and that variants that disrupt this residue are likely to be disease-causing. Algorithms developed to predict the effect of missense changes on protein structure and function are either unavailable or do not agree on the potential impact of this missense change (SIFT: "Tolerated"; PolyPhen-2: "Possibly Damaging"; Align-GVGD: "Class C0"). This missense change has been observed in individual(s) with chronic mucocutaneous candidiasis (PMID: 27114460; Invitae). In at least one individual the variant was observed to be de novo. This variant is not present in population databases (gnomAD no frequency). This sequence change replaces tyrosine, which is neutral and polar, with histidine, which is basic and polar, at codon 289 of the STAT1 protein (p.Tyr289His).

Blueprint Genetics
Classification: Likely pathogenic for STAT1-related disorders. Last evaluated: 2021-02-12. Review status: criteria provided, single submitter. Criteria: ACMG Guidelines, 2015. Collection method: clinical testing. Allele origin: germline. Affected: yes. Observed: 1 variant allele.

Literature cited by the submitters: PubMed 27114460 (cited by Labcorp Genetics (formerly Invitae), Labcorp); PubMed 29111217 (cited by Labcorp Genetics (formerly Invitae), Labcorp).